The following is an entry in ClinVar:

ClinVar aggregate classification (germline): Uncertain significance. Review status: criteria provided, multiple submitters, no conflicts (2 of 4 stars). 5 submissions from 5 submitters: Uncertain significance (4). 1 of the submissions does not count toward it. Last evaluated 2025-07-03.

Conditions:
Hereditary cancer-predisposing syndrome. Also called: Neoplastic Syndromes, Hereditary; Hereditary Cancer Syndrome; Tumor predisposition; Hereditary neoplastic syndrome. Identifiers: Orphanet 140162, MedGen C0027672, MeSH D009386, MONDO:0015356.
Ataxia-telangiectasia syndrome (AT). Also called: LOUIS-BAR SYNDROME; Cerebello-oculocutaneous telangiectasia; Immunodeficiency with ataxia telangiectasia; Ataxia-telangiectasia, complementation group D; AT, COMPLEMENTATION GROUP C; Ataxia-telangiectasia, complementation group E. Identifiers: Orphanet 100, MedGen C0004135, MONDO:0008840, OMIM 208900.
Familial cancer of breast. Also called: Hereditary breast cancer; BREAST CANCER, FAMILIAL; hereditary breast carcinoma. Identifiers: Orphanet 227535, MedGen C0346153, MONDO:0016419, OMIM 114480. Disease mechanism: loss of function.

Allele frequency attached by ClinVar (database versions not stated): gnomAD 0.00001; TOPMed below 0.00001.
gnomAD v4.1: 2 of 1,613,904 alleles (0.00012%); highest among the groups gnomAD compares: Non-Finnish European, 0.000085%; no homozygotes.

Submissions (5):

Labcorp Genetics (formerly Invitae), Labcorp
Classification: Uncertain significance for Ataxia-telangiectasia syndrome. Last evaluated: 2025-07-03. Review status: criteria provided, single submitter. Criteria: Invitae Variant Classification Sherloc (09022015). Collection method: clinical testing. Allele origin: germline.
Comment: This sequence change replaces methionine, which is neutral and non-polar, with leucine, which is neutral and non-polar, at codon 2918 of the ATM protein (p.Met2918Leu). This variant is not present in population databases (gnomAD no frequency). This variant has not been reported in the literature in individuals affected with ATM-related conditions. ClinVar contains an entry for this variant (Variation ID: 481226). Invitae Evidence Modeling of protein sequence and biophysical properties (such as structural, functional, and spatial information, amino acid conservation, physicochemical variation, residue mobility, and thermodynamic stability) has been performed for this missense variant. However, the output from this modeling did not meet the statistical confidence thresholds required to predict the impact of this variant on ATM protein function. In summary, the available evidence is currently insufficient to determine the role of this variant in disease. Therefore, it has been classified as a Variant of Uncertain Significance.

Baylor Genetics
Classification: Uncertain significance for Familial cancer of breast. Last evaluated: 2024-01-17. Review status: criteria provided, single submitter. Criteria: ACMG Guidelines, 2015. Collection method: clinical testing. Allele origin: unknown.

Color Diagnostics, LLC DBA Color Health
Classification: Uncertain significance for Hereditary cancer-predisposing syndrome. Last evaluated: 2023-12-04. Review status: criteria provided, single submitter. Criteria: ACMG Guidelines, 2015. Collection method: clinical testing. Allele origin: germline.
Comment: This missense variant replaces methionine with leucine at codon 2918 of the ATM protein. Computational prediction suggests that this variant may have deleterious impact on protein structure and function (internally defined REVEL score threshold >= 0.7, PMID: 27666373). To our knowledge, functional studies have not been reported for this variant. This variant has not been reported in individuals affected with ATM-related disorders in the literature. This variant has not been identified in the general population by the Genome Aggregation Database (gnomAD). The available evidence is insufficient to determine the role of this variant in disease conclusively. Therefore, this variant is classified as a Variant of Uncertain Significance.

Ambry Genetics
Classification: Uncertain significance for Hereditary cancer-predisposing syndrome. Last evaluated: 2023-07-10. Review status: criteria provided, single submitter. Criteria: Ambry Variant Classification Scheme 2023. Collection method: clinical testing. Allele origin: germline.
Comment: The p.M2918L variant (also known as c.8752A>T), located in coding exon 59 of the ATM gene, results from an A to T substitution at nucleotide position 8752. The methionine at codon 2918 is replaced by leucine, an amino acid with highly similar properties. This amino acid position is highly conserved in available vertebrate species. In addition, this alteration is predicted to be deleterious by in silico analysis. Since supporting evidence is limited at this time, the clinical significance of this alteration remains unclear.

Natera, Inc.
Classification: Uncertain significance for Ataxia-telangiectasia. Last evaluated: 2021-02-11. Review status: no assertion criteria provided. Collection method: clinical testing. Allele origin: germline. Not counted in ClinVar's aggregate classification.

NM_000051.4(ATM):c.8752A>T (p.Met2918Leu)

Genes: ATM (ATM serine/threonine kinase; plus strand), C11orf65 (chromosome 11 open reading frame 65; minus strand). Cytogenetic location: 11q22.3.
Variant type: single nucleotide variant.
Coding change: c.8752A>T on transcript NM_000051.4 (MANE Select); coding-DNA position 8752, A replaced by T.
Protein change: p.Met2918Leu; replaces methionine 2918 with leucine.
Molecular consequence: missense variant. On other transcripts: intron variant (2).
Genome position (GRCh38, 1-based): chr11:108,353,846, A>T. VCF-style: chr11-108353846-A-T. GRCh37 (hg19) VCF-style: chr11-108224573-A-T.
Other names: c.8752A>T, p.Met2918Leu (NM_001351834.2); c.640+32074T>A (NM_001330368.2); c.695-18554T>A (NM_001351110.2); short protein forms M2918L.
Identifiers: ClinVar variation 481226 (VCV000481226.29), dbSNP rs1555142873, ClinGen allele CA382524087.